The following is an entry in ClinVar:

ClinVar aggregate classification (germline): Uncertain significance. Review status: criteria provided, multiple submitters, no conflicts (2 of 4 stars). 2 submissions from 2 submitters: Uncertain significance (2). Last evaluated 2024-12-17.

Allele frequency attached by ClinVar (database versions not stated): gnomAD exomes 0.00006; ExAC 0.00013; 1000 Genomes Project 0.00040; 1000 Genomes Project 30x 0.00047; gnomAD 0.00049; ESP Exome Variant Server 0.00062.
gnomAD v4.1: 175 of 1,594,162 alleles (0.011%); highest among the groups gnomAD compares: African/African-American, 0.2%; no homozygotes.

Submissions (2):

Labcorp Genetics (formerly Invitae), Labcorp
Classification: Uncertain significance. Last evaluated: 2024-12-17. Review status: criteria provided, single submitter. Criteria: Invitae Variant Classification Sherloc (09022015). Collection method: clinical testing. Allele origin: germline.
Comment: This sequence change replaces arginine, which is basic and polar, with serine, which is neutral and polar, at codon 382 of the SLC7A13 protein (p.Arg382Ser). This variant is present in population databases (rs140915018, gnomAD 0.1%), and has an allele count higher than expected for a pathogenic variant. This variant has not been reported in the literature in individuals affected with SLC7A13-related conditions. ClinVar contains an entry for this variant (Variation ID: 2163371). An algorithm developed to predict the effect of missense changes on protein structure and function (PolyPhen-2) suggests that this variant is likely to be disruptive. In summary, the available evidence is currently insufficient to determine the role of this variant in disease. Therefore, it has been classified as a Variant of Uncertain Significance.

Ambry Genetics
Classification: Uncertain significance. Last evaluated: 2021-08-04. Review status: criteria provided, single submitter. Criteria: Ambry Variant Classification Scheme 2023. Collection method: clinical testing. Allele origin: germline.

NM_138817.3(SLC7A13):c.1146A>C (p.Arg382Ser)

Gene: SLC7A13 (solute carrier family 7 member 13; minus strand). Cytogenetic location: 8q21.3.
Variant type: single nucleotide variant.
Coding change: c.1146A>C on transcript NM_138817.3 (MANE Select); coding-DNA position 1146, A replaced by C.
Protein change: p.Arg382Ser; replaces arginine 382 with serine.
Molecular consequence: missense variant.
Genome position (GRCh38, 1-based): chr8:86,217,503, T>G on the plus strand (A>C on the coding strand, the complement: SLC7A13 is on the minus strand). VCF-style: chr8-86217503-T-G. GRCh37 (hg19) VCF-style: chr8-87229732-T-G.
Other names: c.1146A>C (NM_138817.2); short protein forms R382S.
Identifiers: ClinVar variation 2163371 (VCV002163371.5), dbSNP rs140915018, ClinGen allele CA4797638.